The following is an entry in ClinVar:

ClinVar aggregate classification (germline): Likely benign (1 of 4 stars; one submission).

Submission:

CeGaT Center for Human Genetics Tuebingen
Classification: Likely benign. Last evaluated: 2025-10-01. Review status: criteria provided, single submitter. Criteria: CeGaT Center For Human Genetics Tuebingen Variant Classification Criteria Version 2. Collection method: clinical testing. Allele origin: germline. Affected: yes. Observed: 1 variant allele.
Comment: TTN: PM2:Supporting, BP4, BP7

NM_001267550.2(TTN):c.59322A>T (p.Pro19774=)

Genes: TTN (titin; minus strand), TTN-AS1 (TTN antisense RNA 1; plus strand), LOC126806424 (CDK7 strongly-dependent group 2 enhancer GRCh37_chr2:179456337-179457536; plus strand). Cytogenetic location: 2q31.2.
Variant type: single nucleotide variant.
Coding change: c.59322A>T on transcript NM_001267550.2 (MANE Select); coding-DNA position 59322, A replaced by T.
Protein change: p.Pro19774=; no amino-acid change (proline 19774 retained).
Molecular consequence: synonymous variant.
Genome position (GRCh38, 1-based): chr2:178,592,797, T>A on the plus strand (A>T on the coding strand, the complement: TTN is on the minus strand). VCF-style: chr2-178592797-T-A. GRCh37 (hg19) VCF-style: chr2-179457524-T-A.
Other names: c.54399A>T, p.Pro18133= (NM_001256850.1); c.32127A>T, p.Pro10709= (NM_003319.4); c.51618A>T, p.Pro17206= (NM_133378.4); c.32502A>T, p.Pro10834= (NM_133432.3); c.32703A>T, p.Pro10901= (NM_133437.4).
Identifiers: ClinVar variation 4534272 (VCV004534272.6).